The following is an entry in ClinVar:

NM_201384.3(PLEC):c.10748CCA[1] (p.Thr3584del)

Gene: PLEC (plectin; minus strand). Cytogenetic location: 8q24.3.
Variant type: Microsatellite.
Coding change: c.10748CCA[1] on transcript NM_201384.3 (MANE Select); one copy of the 3-base unit CCA starting at c.10748; the reference has two copies in a row; one copy, 3 bases deleted.
Protein change: p.Thr3584del; deletes threonine 3584.
Molecular consequence: inframe deletion. On other transcripts: inframe indel (1).
Genome position (GRCh38, 1-based): chr8:143,919,068-143,919,070, TGG deleted on the plus strand (CCA on the coding strand, the reverse complement: PLEC is on the minus strand); deleting any 3 consecutive bases within chr8:143,919,068-143,919,073 gives the same sequence; the position shown is the placement nearest the transcript's 3' end. VCF-style (leftmost placement, unchanged base first): chr8-143919067-ATGG-A. GRCh37 (hg19) VCF-style: chr8-144993235-ATGG-A.
Other names: c.10829CCA[1], p.Thr3611del (NM_000445.5); c.7448_7450CCA[1], p.Thr2484del (NM_001410941.1); c.10706CCA[1], p.Thr3570del (NM_201378.4); c.10682CCA[1], p.Thr3562del (NM_201379.3); c.11159CCA[1], p.Thr3721del (NM_201380.4); c.10652CCA[1], p.Thr3552del (NM_201381.3); c.10748CCA[1], p.Thr3584del (NM_201382.4); c.10760CCA[1], p.Thr3588del (NM_201383.3); short protein forms T3562del, T3570del, T3584del, T2484del, T3552del, T3588del, T3611del, T3721del.
Identifiers: ClinVar variation 2032434 (VCV002032434.4), dbSNP rs2539383369, ClinGen allele CA645567839.

ClinVar aggregate classification (germline): Uncertain significance (1 of 4 stars; one submission).

Conditions:
Epidermolysis bullosa simplex, Ogna type (EBS5A). Also called: Pidermolysis bullosa simplex 5A, Ogna type; EPIDERMOLYSIS BULLOSA SIMPLEX 5A, OGNA TYPE. Identifiers: Orphanet 79401, MedGen C0432317, MONDO:0007555, OMIM 131950.
Epidermolysis bullosa simplex 5C, with pyloric atresia (EBS5C). Also called: PLEC-Related Epidermolysis Bullosa with Pyloric Atresia; Epidermolysis bullosa simplex with pyloric atresia; PLEC1-Related Epidermolysis Bullosa with Pyloric Atresia. Identifiers: Orphanet 158684, MedGen C2677349, MONDO:0012807, OMIM 612138.
Autosomal recessive limb-girdle muscular dystrophy type 2Q (LGMDR17). Also called: MUSCULAR DYSTROPHY, LIMB-GIRDLE, AUTOSOMAL RECESSIVE 17. Identifiers: Orphanet 254361, MedGen C3150989, MONDO:0013390, OMIM 613723.
Epidermolysis bullosa simplex 5B, with muscular dystrophy (EBS5B). Also called: Epidermolysis bullosa simplex with muscular dystrophy; EPIDERMOLYSIS BULLOSA SIMPLEX AND LIMB-GIRDLE MUSCULAR DYSTROPHY. Identifiers: Orphanet 257, MedGen C2931072, MONDO:0009181, OMIM 226670.
Epidermolysis bullosa simplex with nail dystrophy (EBS5D). Identifiers: MedGen C4225309, MONDO:0014661, OMIM 616487.

Submission:

Labcorp Genetics (formerly Invitae), Labcorp
Classification: Uncertain significance for Autosomal recessive limb-girdle muscular dystrophy type 2Q; Epidermolysis bullosa simplex, Ogna type; Epidermolysis bullosa simplex with nail dystrophy; Epidermolysis bullosa simplex 5C, with pyloric atresia; Epidermolysis bullosa simplex 5B, with muscular dystrophy. Last evaluated: 2023-12-11. Review status: criteria provided, single submitter. Criteria: Invitae Variant Classification Sherloc (09022015). Collection method: clinical testing. Allele origin: germline.
Comment: This variant, c.10832_10834del, results in the deletion of 1 amino acid(s) of the PLEC protein (p.Thr3611del), but otherwise preserves the integrity of the reading frame. This variant is not present in population databases (gnomAD no frequency). This variant has not been reported in the literature in individuals affected with PLEC-related conditions. Experimental studies and prediction algorithms are not available or were not evaluated, and the functional significance of this variant is currently unknown. In summary, the available evidence is currently insufficient to determine the role of this variant in disease. Therefore, it has been classified as a Variant of Uncertain Significance.